The following is an entry in ClinVar:

ClinVar aggregate classification (germline): Likely pathogenic (1 of 4 stars; one submission).

Conditions:
Polycystic kidney disease, adult type (PKD1). Also called: Polycystic Kidney Disease 1, Autosomal Dominant; Polycystic kidney disease 1; Polycystic kidney disease 1, severe; POLYCYSTIC KIDNEY DISEASE, ADULT, TYPE I; Polycystic Kidney, Autosomal Dominant; POLYCYSTIC KIDNEY DISEASE 1 WITH OR WITHOUT POLYCYSTIC LIVER DISEASE. Identifiers: MedGen C3149841, MONDO:0008263, OMIM 173900.

Submission:

Greenwood Genetic Center Diagnostic Laboratories, Greenwood Genetic Center
Classification: Likely pathogenic for Polycystic kidney disease, adult type. Last evaluated: 2024-08-29. Review status: criteria provided, single submitter. Criteria: ACMG Guidelines, 2015. Collection method: clinical testing. Allele origin: germline. Affected: yes.
Comment: PVS1, PM2

NM_001009944.3(PKD1):c.844_850del (p.Gly282fs)

Gene: PKD1 (polycystin 1, transient receptor potential channel interacting; minus strand). Cytogenetic location: 16p13.3.
Variant type: Deletion.
Coding change: c.844_850del on transcript NM_001009944.3 (MANE Select); coding-DNA positions 844 to 850, 7 bases deleted (GGACCTC; older notation c.844_850delGGACCTC).
Protein change: p.Gly282fs; shifts the reading frame from glycine 282.
Molecular consequence: frameshift variant.
Genome position (GRCh38, 1-based): chr16:2,118,142-2,118,148, GAGGTCC deleted on the plus strand (GGACCTC on the coding strand, the reverse complement: PKD1 is on the minus strand); deleting any 7 consecutive bases within chr16:2,118,142-2,118,149 gives the same sequence; the c. name uses the placement nearest the transcript's 3' end. VCF-style (leftmost placement, unchanged base first): chr16-2118141-AGAGGTCC-A. GRCh37 (hg19) VCF-style: chr16-2168142-AGAGGTCC-A.
Other names: c.844_850del, p.Gly282fs (NM_000296.4); short protein forms G282fs.
Identifiers: ClinVar variation 3765623 (VCV003765623.1).